The following is an entry in ClinVar:

NM_014915.3(ANKRD26):c.531+10A>T

Gene: ANKRD26 (ankyrin repeat domain 26; minus strand). Cytogenetic location: 10p12.1.
Variant type: single nucleotide variant.
Coding change: c.531+10A>T on transcript NM_014915.3 (MANE Select); 10 bases into the intron after coding-DNA position 531, A replaced by T.
Molecular consequence: intron variant.
Genome position (GRCh38, 1-based): chr10:27,093,339, T>A on the plus strand (A>T on the coding strand, the complement: ANKRD26 is on the minus strand). VCF-style: chr10-27093339-T-A. GRCh37 (hg19) VCF-style: chr10-27382268-T-A.
Other names: p.?; c.531+10A>T (NM_001256053.2).
Identifiers: ClinVar variation 299759 (VCV000299759.20), dbSNP rs114367485, ClinGen allele CA5448916.

ClinVar aggregate classification (germline): Benign/Likely benign. Review status: criteria provided, multiple submitters, no conflicts (2 of 4 stars). 7 submissions from 7 submitters: Benign (5); Likely benign (2). Last evaluated 2025-10-14.

Conditions:
Thrombocytopenia 2 (THC2). Also called: ANKRD26-Related Thrombocytopenia. Identifiers: Orphanet 268322, MedGen C1861185, MONDO:0008555, OMIM 188000.

Allele frequency attached by ClinVar (database versions not stated): gnomAD exomes 0.00020 and 0.00050; ExAC 0.00069; 1000 Genomes Project 30x 0.00156; 1000 Genomes Project 0.00160; ESP Exome Variant Server 0.00192; gnomAD 0.00212 and 0.00227; TOPMed 0.00221.
gnomAD v4.1: 630 of 1,612,274 alleles (0.039%); highest among the groups gnomAD compares: African/African-American, 0.75%; no homozygotes.

Submissions (7):

Labcorp Genetics (formerly Invitae), Labcorp
Classification: Benign. Last evaluated: 2025-10-14. Review status: criteria provided, single submitter. Criteria: Invitae Variant Classification Sherloc (09022015). Collection method: clinical testing. Allele origin: germline.

Blueprint Genetics
Classification: Likely benign. Last evaluated: 2024-09-23. Review status: criteria provided, single submitter. Criteria: ACMG Guidelines, 2015. Collection method: clinical testing. Allele origin: germline.

ARUP Laboratories, Molecular Genetics and Genomics, ARUP Laboratories
Classification: Benign for Thrombocytopenia 2. Last evaluated: 2024-04-19. Review status: criteria provided, single submitter. Criteria: ARUP Molecular Germline Variant Investigation Process 2024. Collection method: clinical testing. Allele origin: germline.

Mayo Clinic Laboratories, Mayo Clinic
Classification: Likely benign. Last evaluated: 2023-10-05. Review status: criteria provided, single submitter. Criteria: ACMG Guidelines, 2015. Collection method: clinical testing. Allele origin: germline. Observed: 2 variant alleles.
Comment: BP4, BP7

Genome-Nilou Lab
Classification: Benign for Thrombocytopenia 2. Last evaluated: 2021-12-05. Review status: criteria provided, single submitter. Criteria: ACMG Guidelines, 2015. Collection method: clinical testing. Allele origin: germline. Affected: no.

Genetic Services Laboratory, University of Chicago
Classification: Benign. Last evaluated: 2019-07-26. Review status: criteria provided, single submitter. Criteria: ACMG Guidelines, 2015. Collection method: clinical testing. Allele origin: germline. Affected: no.

Illumina Laboratory Services, Illumina
Classification: Benign for Thrombocytopenia 2. Last evaluated: 2018-01-13. Review status: criteria provided, single submitter. Criteria: ICSL Variant Classification Criteria 13 December 2019. Collection method: clinical testing. Allele origin: germline.
Comment: This variant was observed in the ICSL laboratory as part of a predisposition screen in an ostensibly healthy population. It had not been previously curated by ICSL or reported in the Human Gene Mutation Database (HGMD: prior to June 1st, 2018), and was therefore a candidate for classification through an automated scoring system. Utilizing variant allele frequency, disease prevalence and penetrance estimates, and inheritance mode, an automated score was calculated to assess if this variant is too frequent to cause the disease. Based on the score and internal cut-off values, a variant classified as benign is not then subjected to further curation. The score for this variant resulted in a classification of benign for this disease.